The following is an entry in ClinVar:

ClinVar aggregate classification (germline): Likely pathogenic (1 of 4 stars; one submission).

Conditions:
Autosomal recessive titinopathy. Identifiers: MedGen CN315649, MONDO:0100493.

Submission:

Women's Health and Genetics/Laboratory Corporation of America, LabCorp
Classification: Likely pathogenic for Autosomal recessive titinopathy. Last evaluated: 2025-12-12. Review status: criteria provided, single submitter. Criteria: LabCorp Variant Classification Summary - May 2015. Collection method: clinical testing. Allele origin: germline.
Comment: Variant summary: TTN c.95901dupA (p.Leu31968ThrfsX6), also known as c.103605dupA (p.Leu34536ThrfsX6) in NM_001267550, results in a premature termination codon, predicted to cause a truncation of the encoded protein or absence of the protein due to nonsense mediated decay, which are commonly known mechanisms for disease. Loss of function variants in all TTN bands are strongly associated with a spectrum of autosomal recessive titinopathies when exon expression (proportion spliced in, PSI, 1=complete expression) in skeletal muscle is >0.1 (PMID: 36977548, 39198997, 29598826, 32778822, 29691892, 33449170, 36977548, internal data). In contrast, loss of function variants in all TTN bands are only strongly associated with autosomal dominant TTN-related cardiomyopathies if located in exons constitutively expressed (PSI >0.9) in cardiac muscle, excluding extreme C-terminal exons 359-363 (PMID: 25589632, 31216868, 32964742, 34662387, 27869827, Shetty et al., Nat Cardiovasc Res 2024,, internal data). This variant has a maximum skeletal muscle PSI of 0.942 and a maximum cardiac muscle PSI of 1.000. The variant was absent in 249090 control chromosomes. To our knowledge, no occurrence of c.95901dupA in individuals affected with TTN-related conditions and no experimental evidence demonstrating its impact on protein function have been reported. No submitters have cited clinical-significance assessments for this variant to ClinVar. Based on the evidence outlined above, the variant was classified as likely pathogenic for both autosomal dominant and autosomal recessive TTN-related conditions.

NM_001267550.2(TTN):c.103605dup (p.Leu34536fs)

Genes: TTN (titin; minus strand), TTN-AS1 (TTN antisense RNA 1; plus strand). Cytogenetic location: 2q31.2.
Variant type: Duplication.
Coding change: c.103605dup on transcript NM_001267550.2 (MANE Select); coding-DNA position 103605, one base duplicated (A; older notation c.103605dupA).
Protein change: p.Leu34536fs; shifts the reading frame from leucine 34536.
Molecular consequence: frameshift variant.
Genome position (GRCh38, 1-based): chr2:178,533,010, T duplicated on the plus strand (A on the coding strand, the reverse complement: TTN is on the minus strand); the first of 4 consecutive T bases (chr2:178,533,010-178,533,013); duplicating any one gives the same sequence. VCF-style (leftmost placement, unchanged base first): chr2-178533009-G-GT. GRCh37 (hg19) VCF-style: chr2-179397736-G-GT.
Other names: c.98682dup, p.Leu32895fs (NM_001256850.1); c.76410dup, p.Leu25471fs (NM_003319.4); c.95901dup, p.Leu31968fs (NM_133378.4); c.76785dup, p.Leu25596fs (NM_133432.3); c.76986dup, p.Leu25663fs (NM_133437.4); c.95901dupA (NM_133378.4); short protein forms L25471fs, L25596fs, L25663fs, L31968fs, L32895fs, L34536fs.
Identifiers: ClinVar variation 4688346 (VCV004688346.1).